The following is an entry in ClinVar:

ClinVar aggregate classification (germline): Uncertain significance (1 of 4 stars; one submission).

Conditions:
Autosomal recessive early-onset Parkinson disease 7. Identifiers: Orphanet 2828, MedGen C1853445, MONDO:0011658, OMIM 606324.

Allele frequency attached by ClinVar (database versions not stated): gnomAD exomes below 0.00001.
gnomAD v4.1: 2 of 1,614,210 alleles (0.00012%); highest among the groups gnomAD compares: South Asian, 0.0011%; no homozygotes.

Submission:

Labcorp Genetics (formerly Invitae), Labcorp
Classification: Uncertain significance for Autosomal recessive early-onset Parkinson disease 7. Last evaluated: 2023-04-05. Review status: criteria provided, single submitter. Criteria: Invitae Variant Classification Sherloc (09022015). Collection method: clinical testing. Allele origin: germline.
Comment: In summary, the available evidence is currently insufficient to determine the role of this variant in disease. Therefore, it has been classified as a Variant of Uncertain Significance. An algorithm developed to predict the effect of missense changes on protein structure and function (PolyPhen-2) suggests that this variant is likely to be tolerated. ClinVar contains an entry for this variant (Variation ID: 1943858). This variant has not been reported in the literature in individuals affected with PARK7-related conditions. This variant is not present in population databases (gnomAD no frequency). This sequence change replaces serine, which is neutral and polar, with threonine, which is neutral and polar, at codon 161 of the PARK7 protein (p.Ser161Thr).

NM_007262.5(PARK7):c.482G>C (p.Ser161Thr)

Gene: PARK7 (Parkinsonism associated deglycase; plus strand). Cytogenetic location: 1p36.23.
Variant type: single nucleotide variant.
Coding change: c.482G>C on transcript NM_007262.5 (MANE Select); coding-DNA position 482, G replaced by C.
Protein change: p.Ser161Thr; replaces serine 161 with threonine.
Molecular consequence: missense variant.
Genome position (GRCh38, 1-based): chr1:7,984,966, G>C. VCF-style: chr1-7984966-G-C. GRCh37 (hg19) VCF-style: chr1-8045026-G-C.
Other names: c.482G>C, p.Ser161Thr (NM_001123377.2); short protein forms S161T.
Identifiers: ClinVar variation 1943858 (VCV001943858.5), dbSNP rs2527375369, ClinGen allele CA338167143.